The following is an entry in ClinVar:

NM_001065.4(TNFRSF1A):c.826_861del (p.Thr276_Pro287del)

Gene: TNFRSF1A (TNF receptor superfamily member 1A; minus strand). Cytogenetic location: 12p13.31.
Variant type: Deletion.
Coding change: c.826_861del on transcript NM_001065.4 (MANE Select); coding-DNA positions 826 to 861, 36 bases deleted.
Protein change: p.Thr276_Pro287del.
Molecular consequence: inframe deletion. On other transcripts: non-coding transcript variant (1).
Genome position (GRCh38, 1-based): chr12:6,329,974-6,330,009, 36 bases deleted; deleting any 36 consecutive bases within chr12:6,329,974-6,330,020 gives the same sequence; the c. name uses the placement nearest the transcript's 3' end. GRCh37 (hg19): chr12:6,439,151-6,439,186.
Other names: c.826_861del36 (NM_001065.4); c.502_537del, p.Thr168_Pro179del (NM_001346091.2); c.367_402del, p.Thr123_Pro134del (NM_001346092.2).
Identifiers: ClinVar variation 950028 (VCV000950028.10), dbSNP rs760560928, ClinGen allele CA6405336.

ClinVar aggregate classification (germline): Uncertain significance. Review status: criteria provided, multiple submitters, no conflicts (2 of 4 stars). 2 submissions from 2 submitters: Uncertain significance (2). Last evaluated 2024-06-14.

Conditions:
TNF receptor-associated periodic fever syndrome (TRAPS) (FPF). Also called: Autosomal Dominant Familial Periodic Fever; TNF Receptor-Associated Periodic Fever Syndrome; TNF receptor 1-associated periodic fever syndrome; FAMILIAL HIBERNIAN FEVER; TNF RECEPTOR-ASSOCIATED PERIODIC SYNDROME; TUMOR NECROSIS FACTOR RECEPTOR-ASSOCIATED PERIODIC SYNDROME. Identifiers: Orphanet 32960, MedGen C1275126, MONDO:0007727, OMIM 142680.

Submissions (2):

Women's Health and Genetics/Laboratory Corporation of America, LabCorp
Classification: Uncertain significance. Last evaluated: 2024-06-14. Review status: criteria provided, single submitter. Criteria: LabCorp Variant Classification Summary - May 2015. Collection method: clinical testing. Allele origin: germline.
Comment: Variant summary: TNFRSF1A c.826_861del36 (p.Thr276_Pro287del) results in an in-frame deletion that is predicted to remove 12 amino acids from the encoded protein. The variant allele was found at a frequency of 2.9e-05 in 205620 control chromosomes. The available data on variant occurrences in the general population are insufficient to allow any conclusion about variant significance. To our knowledge, no occurrence of c.826_861del36 in individuals affected with TNF Receptor-Associated Periodic Fever Syndrome and no experimental evidence demonstrating its impact on protein function have been reported. ClinVar contains an entry for this variant (Variation ID: 950028). Based on the evidence outlined above, the variant was classified as uncertain significance.

Labcorp Genetics (formerly Invitae), Labcorp
Classification: Uncertain significance for TNF receptor-associated periodic fever syndrome (TRAPS). Last evaluated: 2024-01-16. Review status: criteria provided, single submitter. Criteria: Invitae Variant Classification Sherloc (09022015). Collection method: clinical testing. Allele origin: germline.
Comment: This variant, c.826_861del, results in the deletion of 12 amino acid(s) of the TNFRSF1A protein (p.Thr276_Pro287del), but otherwise preserves the integrity of the reading frame. This variant is present in population databases (rs760560928, gnomAD 0.05%). This variant has not been reported in the literature in individuals affected with TNFRSF1A-related conditions. ClinVar contains an entry for this variant (Variation ID: 950028). In summary, the available evidence is currently insufficient to determine the role of this variant in disease. Therefore, it has been classified as a Variant of Uncertain Significance.